The following is an entry in ClinVar:

NM_015650.4(TRAF3IP1):c.498+3G>A

Gene: TRAF3IP1 (TRAF3 interacting protein 1; plus strand). Cytogenetic location: 2q37.3.
Variant type: single nucleotide variant.
Coding change: c.498+3G>A on transcript NM_015650.4 (MANE Select); 3 bases into the intron after coding-DNA position 498, G replaced by A.
Molecular consequence: intron variant.
Genome position (GRCh38, 1-based): chr2:238,328,832, G>A. VCF-style: chr2-238328832-G-A. GRCh37 (hg19) VCF-style: chr2-239237473-G-A.
Other names: c.498+3G>A (NM_001139490.1).
Identifiers: ClinVar variation 1928297 (VCV001928297.3), dbSNP rs1431231466, ClinGen allele CA540751068.

ClinVar aggregate classification (germline): Uncertain significance (1 of 4 stars; one submission).

Allele frequency attached by ClinVar (database versions not stated): gnomAD exomes below 0.00001.
gnomAD v4.1: 2 of 1,608,260 alleles (0.00012%); highest among the groups gnomAD compares: Admixed American, 0.0034%; no homozygotes.

Submission:

Labcorp Genetics (formerly Invitae), Labcorp
Classification: Uncertain significance. Last evaluated: 2022-07-21. Review status: criteria provided, single submitter. Criteria: Invitae Variant Classification Sherloc (09022015). Collection method: clinical testing. Allele origin: germline.
Comment: In summary, the available evidence is currently insufficient to determine the role of this variant in disease. Therefore, it has been classified as a Variant of Uncertain Significance. Variants that disrupt the consensus splice site are a relatively common cause of aberrant splicing (PMID: 17576681, 9536098). Algorithms developed to predict the effect of sequence changes on RNA splicing suggest that this variant is not likely to affect RNA splicing. This variant has not been reported in the literature in individuals affected with TRAF3IP1-related conditions. This variant is present in population databases (no rsID available, gnomAD 0.006%). This sequence change falls in intron 4 of the TRAF3IP1 gene. It does not directly change the encoded amino acid sequence of the TRAF3IP1 protein. It affects a nucleotide within the consensus splice site.

Literature cited by the submitters: PubMed 17576681; PubMed 9536098.